The following is an entry in ClinVar:

ClinVar aggregate classification (germline): Benign. Review status: criteria provided, multiple submitters, no conflicts (2 of 4 stars). 2 submissions from 2 submitters: Benign (2). Last evaluated 2018-01-13.

Conditions:
Seizures, benign familial neonatal, 2. Also called: CONVULSIONS, BENIGN FAMILIAL NEONATAL, 2; KCNQ3-Related Self-Limited Familial Neonatal Epilepsy (SLFNE); Benign Neonatal Epilepsy 2; KCNQ3-Related Benign Familial Neonatal Epilepsy; Seizures, benign neonatal, 2. Identifiers: Orphanet 1949, MedGen C1852581, MONDO:0007366, OMIM 121201.

Allele frequency attached by ClinVar (database versions not stated): 1000 Genomes Project 0.12220; TOPMed 0.13381; 1000 Genomes Project 30x 0.12117; gnomAD 0.14357 and 0.14483.

Submissions (2):

Illumina Laboratory Services, Illumina
Classification: Benign for Seizures, benign familial neonatal, 2. Last evaluated: 2018-01-13. Review status: criteria provided, single submitter. Criteria: ICSL Variant Classification Criteria 13 December 2019. Collection method: clinical testing. Allele origin: germline.
Comment: This variant was observed in the ICSL laboratory as part of a predisposition screen in an ostensibly healthy population. It had not been previously curated by ICSL or reported in the Human Gene Mutation Database (HGMD: prior to June 1st, 2018), and was therefore a candidate for classification through an automated scoring system. Utilizing variant allele frequency, disease prevalence and penetrance estimates, and inheritance mode, an automated score was calculated to assess if this variant is too frequent to cause the disease. Based on the score and internal cut-off values, a variant classified as benign is not then subjected to further curation. The score for this variant resulted in a classification of benign for this disease.

Breakthrough Genomics
Classification: Benign. Review status: criteria provided, single submitter. Criteria: ACMG Guidelines, 2015. Collection method: not provided. Allele origin: germline. Inheritance: Autosomal dominant inheritance. Affected: yes.

NM_004519.4(KCNQ3):c.*5719C>T

Gene: KCNQ3 (potassium voltage-gated channel subfamily Q member 3; minus strand). Cytogenetic location: 8q24.22.
Variant type: single nucleotide variant.
Coding change: c.*5719C>T on transcript NM_004519.4 (MANE Select); 5719 bases downstream of the stop codon, C replaced by T.
Molecular consequence: 3 prime UTR variant.
Genome position (GRCh38, 1-based): chr8:132,123,543, G>A on the plus strand (C>T on the coding strand, the complement: KCNQ3 is on the minus strand). VCF-style: chr8-132123543-G-A. GRCh37 (hg19) VCF-style: chr8-133135790-G-A.
Other names: c.*5719C>T (NM_001204824.2).
Identifiers: ClinVar variation 361787 (VCV000361787.7), dbSNP rs11786417, ClinGen allele CA10627036.